The following is an entry in ClinVar:

ClinVar aggregate classification (germline): Pathogenic/Likely pathogenic. Review status: criteria provided, multiple submitters, no conflicts (2 of 4 stars). 3 submissions from 3 submitters: Pathogenic (1); Likely pathogenic (2). Last evaluated 2024-10-04.

Conditions:
Polyglandular autoimmune syndrome, type 1 (APS1). Also called: APS I; Autoimmune polyendocrinopathy syndrome , type I, with or without reversible metaphyseal dysplasia; HYPOADRENOCORTICISM WITH HYPOPARATHYROIDISM AND SUPERFICIAL MONILIASIS; AUTOIMMUNE POLYENDOCRINE SYNDROME, TYPE I, WITH OR WITHOUT REVERSIBLE METAPHYSEAL DYSPLASIA; PGA I; Autoimmune polyendocrine syndrome type 1. Identifiers: Orphanet 3453, MedGen C0085859, MONDO:0009411, OMIM 240300.

Submissions (3):

Dubai Health Genomic Medicine Center, Dubai Health
Classification: Likely pathogenic for Autoimmune polyendocrinopathy syndrome , type I, with or without reversible metaphyseal dysplasia. Last evaluated: 2024-10-04. Review status: criteria provided, single submitter. Criteria: ACMG Guidelines, 2015. Collection method: research. Allele origin: germline. Affected: yes.
Comment: PM2, PM4, PP3, PM5

Department of Genetics, Sultan Qaboos University Hospital
Classification: Likely pathogenic for Polyglandular autoimmune syndrome, type 1. Last evaluated: 2024-06-12. Review status: criteria provided, single submitter. Criteria: ACMG Guidelines, 2015. Collection method: curation. Allele origin: unknown. Affected: yes.

National Institute of Allergy and Infectious Diseases - Centralized Sequencing Program, National Institutes of Health
Classification: Pathogenic for APECED. Last evaluated: 2023-09-14. Review status: criteria provided, single submitter. Criteria: ACMG Guidelines, 2015. Collection method: clinical testing. Allele origin: germline. Affected: yes.

NM_000383.4(AIRE):c.1637G>C (p.Ter546Ser)

Gene: AIRE (autoimmune regulator; plus strand). Cytogenetic location: 21q22.3.
Variant type: single nucleotide variant.
Coding change: c.1637G>C on transcript NM_000383.4 (MANE Select); coding-DNA position 1637, G replaced by C.
Protein change: p.Ter546Ser.
Molecular consequence: stop lost.
Genome position (GRCh38, 1-based): chr21:44,297,726, G>C. VCF-style: chr21-44297726-G-C. GRCh37 (hg19) VCF-style: chr21-45717609-G-C.
Other names: *546S.
Identifiers: ClinVar variation 623346 (VCV000623346.7), dbSNP rs1568932096, ClinGen allele CA410426349.